The following is an entry in ClinVar:

ClinVar aggregate classification (germline): Uncertain significance (1 of 4 stars; one submission).

Conditions:
Dilated cardiomyopathy 1O (CMD1O). Also called: CARDIOMYOPATHY, DILATED, WITH VENTRICULAR TACHYCARDIA. Identifiers: Orphanet 154, MedGen C1837839, MONDO:0012062, OMIM 608569.

Submission:

Labcorp Genetics (formerly Invitae), Labcorp
Classification: Uncertain significance for Dilated cardiomyopathy 1O. Last evaluated: 2021-08-14. Review status: criteria provided, single submitter. Criteria: Invitae Variant Classification Sherloc (09022015). Collection method: clinical testing. Allele origin: germline.
Comment: Algorithms developed to predict the effect of missense changes on protein structure and function (SIFT, PolyPhen-2, Align-GVGD) all suggest that this variant is likely to be tolerated, but these predictions have not been confirmed by published functional studies and their clinical significance is uncertain. This sequence change replaces glutamic acid with aspartic acid at codon 1311 of the ABCC9 protein (p.Glu1311Asp). The glutamic acid residue is moderately conserved and there is a small physicochemical difference between glutamic acid and aspartic acid. This variant is not present in population databases (ExAC no frequency). This variant has not been reported in the literature in individuals with ABCC9-related conditions. In summary, the available evidence is currently insufficient to determine the role of this variant in disease. Therefore, it has been classified as a Variant of Uncertain Significance.

NM_020297.4(ABCC9):c.3933G>T (p.Glu1311Asp)

Genes: ABCC9 (ATP binding cassette subfamily C member 9; minus strand), KCNJ8-AS1 (KCNJ8 antisense RNA 1; plus strand). Cytogenetic location: 12p12.1.
Variant type: single nucleotide variant.
Coding change: c.3933G>T on transcript NM_020297.4 (MANE Select); coding-DNA position 3933, G replaced by T.
Protein change: p.Glu1311Asp; replaces glutamic acid 1311 with aspartic acid.
Molecular consequence: missense variant.
Genome position (GRCh38, 1-based): chr12:21,815,853, C>A on the plus strand (G>T on the coding strand, the complement: ABCC9 is on the minus strand). VCF-style: chr12-21815853-C-A. GRCh37 (hg19) VCF-style: chr12-21968787-C-A.
Other names: c.3933G>T, p.Glu1311Asp (NM_001377273.1, NM_005691.4); c.3066G>T, p.Glu1022Asp (NM_001377274.1); short protein forms E1022D, E1311D.
Identifiers: ClinVar variation 854575 (VCV000854575.9), dbSNP rs371193643, ClinGen allele CA384136247.